The following is an entry in ClinVar:

ClinVar aggregate classification (germline): Uncertain significance. Review status: criteria provided, multiple submitters, no conflicts (2 of 4 stars). 2 submissions from 2 submitters: Uncertain significance (2). Last evaluated 2024-03-28.

Conditions:
Inborn genetic diseases. Identifiers: MedGen C0950123, MeSH D030342.
Dyskeratosis congenita, autosomal dominant 6 (DKCA6). Identifiers: Orphanet 3322, MedGen C4225284, MONDO:0014690, OMIM 616553.

Allele frequency attached by ClinVar (database versions not stated): TOPMed 0.00001; gnomAD 0.00002.

Submissions (2):

Labcorp Genetics (formerly Invitae), Labcorp
Classification: Uncertain significance for Dyskeratosis congenita, autosomal dominant 6. Last evaluated: 2024-03-28. Review status: criteria provided, single submitter. Criteria: Invitae Variant Classification Sherloc (09022015). Collection method: clinical testing. Allele origin: germline.
Comment: This sequence change replaces serine, which is neutral and polar, with tyrosine, which is neutral and polar, at codon 357 of the ACD protein (p.Ser357Tyr). This variant is not present in population databases (gnomAD no frequency). This variant has not been reported in the literature in individuals affected with ACD-related conditions. ClinVar contains an entry for this variant (Variation ID: 1783248). Advanced modeling of protein sequence and biophysical properties (such as structural, functional, and spatial information, amino acid conservation, physicochemical variation, residue mobility, and thermodynamic stability) performed at Invitae indicates that this missense variant is expected to disrupt ACD protein function with a positive predictive value of 80%. In summary, the available evidence is currently insufficient to determine the role of this variant in disease. Therefore, it has been classified as a Variant of Uncertain Significance.

Ambry Genetics
Classification: Uncertain significance for Inborn genetic diseases. Last evaluated: 2023-10-15. Review status: criteria provided, single submitter. Criteria: Ambry Variant Classification Scheme 2023. Collection method: clinical testing. Allele origin: germline.
Comment: The p.S357Y variant (also known as c.1070C>A), located in coding exon 9 of the ACD gene, results from a C to A substitution at nucleotide position 1070. The serine at codon 357 is replaced by tyrosine, an amino acid with dissimilar properties. This amino acid position is conserved. In addition, this alteration is predicted to be tolerated by in silico analysis. Since supporting evidence is limited at this time, the clinical significance of this alteration remains unclear.

NM_001082486.2(ACD):c.812C>A (p.Ser271Tyr)

Gene: ACD (ACD shelterin complex subunit and telomerase recruitment factor; minus strand). Cytogenetic location: 16q22.1.
Variant type: single nucleotide variant.
Coding change: c.812C>A on transcript NM_001082486.2 (MANE Select); coding-DNA position 812, C replaced by A.
Protein change: p.Ser271Tyr; replaces serine 271 with tyrosine.
Molecular consequence: missense variant.
Genome position (GRCh38, 1-based): chr16:67,658,572, G>T on the plus strand (C>A on the coding strand, the complement: ACD is on the minus strand). VCF-style: chr16-67658572-G-T. GRCh37 (hg19) VCF-style: chr16-67692475-G-T.
Other names: c.803C>A, p.Ser268Tyr (NM_022914.3); short protein forms S271Y, S268Y.
Identifiers: ClinVar variation 1783248 (VCV001783248.7), dbSNP rs1472839808, ClinGen allele CA396353164.